The following is an entry in ClinVar:

ClinVar aggregate classification (germline): Uncertain significance (1 of 4 stars; one submission).

Conditions:
Dyskeratosis congenita. Identifiers: Orphanet 1775, MedGen C0265965, MONDO:0015780.

gnomAD v4.1: 1 of 1,565,592 alleles (0.000064%); highest among the groups gnomAD compares: Non-Finnish European, 0.000087%; no homozygotes.

Submission:

Ambry Genetics
Classification: Uncertain significance for Dyskeratosis congenita. Last evaluated: 2025-05-08. Review status: criteria provided, single submitter. Criteria: Ambry Variant Classification Scheme 2023. Collection method: clinical testing. Allele origin: germline.
Comment: The p.S456R variant (also known as c.1366A>C), located in coding exon 2 of the TERT gene, results from an A to C substitution at nucleotide position 1366. The serine at codon 456 is replaced by arginine, an amino acid with dissimilar properties. This amino acid position is conserved. In addition, this alteration is predicted to be deleterious by in silico analysis. Based on the available evidence, the clinical significance of this variant remains unclear.

NM_198253.3(TERT):c.1366A>C (p.Ser456Arg)

Gene: TERT (telomerase reverse transcriptase; minus strand). Cytogenetic location: 5p15.33.
Variant type: single nucleotide variant.
Coding change: c.1366A>C on transcript NM_198253.3 (MANE Select); coding-DNA position 1366, A replaced by C.
Protein change: p.Ser456Arg; replaces serine 456 with arginine.
Molecular consequence: missense variant. On other transcripts: non-coding transcript variant (2).
Genome position (GRCh38, 1-based): chr5:1,293,520, T>G on the plus strand (A>C on the coding strand, the complement: TERT is on the minus strand). VCF-style: chr5-1293520-T-G. GRCh37 (hg19) VCF-style: chr5-1293635-T-G.
Other names: c.1366A>C, p.Ser456Arg (NM_001193376.3); short protein forms S456R.
Identifiers: ClinVar variation 3967361 (VCV003967361.1).